The following is an entry in ClinVar:

NM_001008537.3(NEXMIF):c.2888_2889del (p.Ser963fs)

Gene: NEXMIF (neurite extension and migration factor; minus strand). Cytogenetic location: Xq13.3.
Variant type: Microsatellite.
Coding change: c.2888_2889del on transcript NM_001008537.3 (MANE Select); coding-DNA positions 2888 to 2889, 2 bases deleted (CT; older notation c.2888_2889delCT).
Protein change: p.Ser963fs; shifts the reading frame from serine 963.
Molecular consequence: frameshift variant.
Genome position (GRCh38, 1-based): chrX:74,741,668-74,741,669, AG deleted on the plus strand (CT on the coding strand, the reverse complement: NEXMIF is on the minus strand); deleting any 2 consecutive bases within chrX:74,741,668-74,741,671 gives the same sequence; the c. name uses the placement nearest the transcript's 3' end. VCF-style (leftmost placement, unchanged base first): chrX-74741667-AAG-A. GRCh37 (hg19) VCF-style: chrX-73961502-AAG-A.
Other names: short protein forms S963fs.
Identifiers: ClinVar variation 561042 (VCV000561042.5), dbSNP rs1569335265, ClinGen allele CA658824174.

ClinVar aggregate classification (germline): Pathogenic. Review status: criteria provided, multiple submitters, no conflicts (2 of 4 stars). 2 submissions from 2 submitters: Pathogenic (2). Last evaluated 2023-08-11.

Conditions:
X-linked intellectual disability, Cantagrel type (XLID98). Also called: INTELLECTUAL DEVELOPMENTAL DISORDER, X-LINKED 98. Identifiers: Orphanet 85277, MedGen C3806730, MONDO:0010483, OMIM 300912.

Submissions (2):

Labcorp Genetics (formerly Invitae), Labcorp
Classification: Pathogenic. Last evaluated: 2023-08-11. Review status: criteria provided, single submitter. Criteria: Invitae Variant Classification Sherloc (09022015). Collection method: clinical testing. Allele origin: germline.
Comment: This sequence change creates a premature translational stop signal (p.Ser963Leufs*7) in the NEXMIF gene. It is expected to result in an absent or disrupted protein product. Loss-of-function variants in NEXMIF are known to be pathogenic (PMID: 23615299). This variant is not present in population databases (gnomAD no frequency). This variant has not been reported in the literature in individuals affected with NEXMIF-related conditions. ClinVar contains an entry for this variant (Variation ID: 561042). For these reasons, this variant has been classified as Pathogenic.

Baylor Genetics
Classification: Pathogenic for X-linked intellectual disability, Cantagrel type. Last evaluated: 2017-09-01. Review status: criteria provided, single submitter. Criteria: ACMG Guidelines, 2015. Collection method: clinical testing. Allele origin: de novo. Inheritance: X-linked inheritance. Affected: yes.

Literature cited by the submitters: PubMed 23615299 (cited by Labcorp Genetics (formerly Invitae), Labcorp); PubMed 25326635 (cited by Baylor Genetics).